The following is an entry in ClinVar:

NM_001035.3(RYR2):c.10174G>A (p.Ala3392Thr)

Gene: RYR2 (ryanodine receptor 2; plus strand). Cytogenetic location: 1q43.
Variant type: single nucleotide variant.
Coding change: c.10174G>A on transcript NM_001035.3 (MANE Select); coding-DNA position 10174, G replaced by A.
Protein change: p.Ala3392Thr; replaces alanine 3392 with threonine.
Molecular consequence: missense variant.
Genome position (GRCh38, 1-based): chr1:237,709,511, G>A. VCF-style: chr1-237709511-G-A. GRCh37 (hg19) VCF-style: chr1-237872811-G-A.
Other names: short protein forms A3392T.
Identifiers: ClinVar variation 1006943 (VCV001006943.15), dbSNP rs1325112585, ClinGen allele CA345411641.

ClinVar aggregate classification (germline): Uncertain significance. Review status: criteria provided, multiple submitters, no conflicts (2 of 4 stars). 5 submissions from 5 submitters: Uncertain significance (5). Last evaluated 2024-12-14.

Conditions:
Cardiovascular phenotype. Identifiers: MedGen CN230736.
Catecholaminergic polymorphic ventricular tachycardia (CVPT). Also called: Catecholamine-induced polymorphic ventricular tachycardia. Identifiers: Orphanet 3286, MedGen C5574922, MONDO:0017990.
Catecholaminergic polymorphic ventricular tachycardia 1. Also called: RYR2-Related Catecholaminergic Polymorphic Ventricular Tachycardia; VENTRICULAR TACHYCARDIA, CATECHOLAMINERGIC POLYMORPHIC, 1, WITH OR WITHOUT ATRIAL DYSFUNCTION AND/OR DILATED CARDIOMYOPATHY; VENTRICULAR TACHYCARDIA, STRESS-INDUCED POLYMORPHIC 1. Identifiers: Orphanet 3286, MedGen C1631597, MONDO:0011484, OMIM 604772.

Allele frequency attached by ClinVar (database versions not stated): gnomAD exomes below 0.00001 and 0.00001; gnomAD 0.00001; TOPMed 0.00002.
gnomAD v4.1: 9 of 1,612,136 alleles (0.00056%); highest among the groups gnomAD compares: Admixed American, 0.0067%; no homozygotes.

Submissions (5):

GeneDx
Classification: Uncertain significance. Last evaluated: 2024-12-14. Review status: criteria provided, single submitter. Criteria: GeneDx Variant Classification Process June 2021. Collection method: clinical testing. Allele origin: germline. Affected: yes.
Comment: Not observed at significant frequency in large population cohorts (gnomAD); In silico analysis supports that this missense variant has a deleterious effect on protein structure/function; Has not been previously published as pathogenic or benign to our knowledge; Not located in one of the three hot-spot regions of the RYR2 gene, where the majority of pathogenic missense variants occur (PMID: 19926015); This variant is associated with the following publications: (PMID: 19926015)

Women's Health and Genetics/Laboratory Corporation of America, LabCorp
Classification: Uncertain significance. Last evaluated: 2024-11-01. Review status: criteria provided, single submitter. Criteria: LabCorp Variant Classification Summary - May 2015. Collection method: clinical testing. Allele origin: germline.
Comment: Variant summary: RYR2 c.10174G>A (p.Ala3392Thr) results in a non-conservative amino acid change in the encoded protein sequence. Four of five in-silico tools predict a damaging effect of the variant on protein function. The variant allele was found at a frequency of 4e-06 in 247218 control chromosomes (gnomAD). The available data on variant occurrences in the general population are insufficient to allow any conclusion about variant significance. To our knowledge, no occurrence of c.10174G>A in individuals affected with Catecholaminergic Polymorphic Ventricular Tachycardia and no experimental evidence demonstrating its impact on protein function have been reported. ClinVar contains an entry for this variant (Variation ID: 1006943). Based on the evidence outlined above, the variant was classified as uncertain significance.

All of Us Research Program, National Institutes of Health
Classification: Uncertain significance for Catecholaminergic polymorphic ventricular tachycardia. Last evaluated: 2024-06-11. Review status: criteria provided, single submitter. Criteria: ACMG Guidelines, 2015. Collection method: clinical testing. Allele origin: germline. Inheritance: Autosomal dominant inheritance. Observed: 1 variant allele, 1 heterozygote.
Comment: This study involves interpretation of variants in research participants for the purpose of population health screening. Participant phenotype was not available at the time of variant classification. Additional details can be found in publication PMID: 35346344, PMCID: PMC8962531

Labcorp Genetics (formerly Invitae), Labcorp
Classification: Uncertain significance for Catecholaminergic polymorphic ventricular tachycardia 1. Last evaluated: 2022-03-09. Review status: criteria provided, single submitter. Criteria: Invitae Variant Classification Sherloc (09022015). Collection method: clinical testing. Allele origin: germline.
Comment: Advanced modeling of protein sequence and biophysical properties (such as structural, functional, and spatial information, amino acid conservation, physicochemical variation, residue mobility, and thermodynamic stability) performed at Invitae indicates that this missense variant is expected to disrupt RYR2 protein function. This sequence change replaces alanine, which is neutral and non-polar, with threonine, which is neutral and polar, at codon 3392 of the RYR2 protein (p.Ala3392Thr). This variant is not present in population databases (gnomAD no frequency). This variant has not been reported in the literature in individuals affected with RYR2-related conditions. ClinVar contains an entry for this variant (Variation ID: 1006943). In summary, the available evidence is currently insufficient to determine the role of this variant in disease. Therefore, it has been classified as a Variant of Uncertain Significance.

Ambry Genetics
Classification: Uncertain significance for Cardiovascular phenotype. Last evaluated: 2019-12-10. Review status: criteria provided, single submitter. Criteria: Ambry Variant Classification Scheme 2023. Collection method: clinical testing. Allele origin: germline.
Comment: The p.A3392T variant (also known as c.10174G>A), located in coding exon 70 of the RYR2 gene, results from a G to A substitution at nucleotide position 10174. The alanine at codon 3392 is replaced by threonine, an amino acid with similar properties. This amino acid position is highly conserved in available vertebrate species. In addition, the in silico prediction for this alteration is inconclusive. Since supporting evidence is limited at this time, the clinical significance of this alteration remains unclear.